The following is an entry in ClinVar:

NM_015404.4(WHRN):c.2283C>T (p.Ser761=)

Gene: WHRN (whirlin; minus strand). Cytogenetic location: 9q32.
Variant type: single nucleotide variant.
Coding change: c.2283C>T on transcript NM_015404.4 (MANE Select); coding-DNA position 2283, C replaced by T.
Protein change: p.Ser761=; no amino-acid change (serine 761 retained).
Molecular consequence: synonymous variant.
Genome position (GRCh38, 1-based): chr9:114,404,031, G>A on the plus strand (C>T on the coding strand, the complement: WHRN is on the minus strand). VCF-style: chr9-114404031-G-A. GRCh37 (hg19) VCF-style: chr9-117166311-G-A.
Other names: p.Ser761=; c.1134C>T, p.Ser378= (NM_001083885.3); c.2280C>T, p.Ser760= (NM_001173425.2); c.1230C>T, p.Ser410= (NM_001346890.1).
Identifiers: ClinVar variation 45669 (VCV000045669.23), dbSNP rs34963246, ClinGen allele CA136906.

ClinVar aggregate classification (germline): Benign. Review status: criteria provided, multiple submitters, no conflicts (2 of 4 stars). 7 submissions from 6 submitters: Benign (7). Last evaluated 2026-02-04.

Conditions:
Autosomal recessive nonsyndromic hearing loss 31. Also called: WHIRLER, MOUSE, HOMOLOG OF. Identifiers: Orphanet 90636, MedGen C1846839, MONDO:0011767, OMIM 607084.
Usher syndrome type 2D. Also called: USHER SYNDROME, TYPE IID. Identifiers: Orphanet 231178, Orphanet 886, MedGen C1568249, MONDO:0012662, OMIM 611383.

Allele frequency attached by ClinVar (database versions not stated): gnomAD exomes 0.09033; 1000 Genomes Project 0.09245; 1000 Genomes Project 30x 0.09900; gnomAD 0.11735 and 0.12235; TOPMed 0.12277; ESP Exome Variant Server 0.12333.
gnomAD v4.1: 149,398 of 1,613,262 alleles (9.3%); highest among the groups gnomAD compares: African/African-American, 20%; 8,045 homozygotes.

Submissions (19):

Labcorp Genetics (formerly Invitae), Labcorp
Classification: Benign. Last evaluated: 2026-02-04. Review status: criteria provided, single submitter. Criteria: Invitae Variant Classification Sherloc (09022015). Collection method: clinical testing. Allele origin: germline.

Mayo Clinic Laboratories, Mayo Clinic
Classification: Benign. Last evaluated: 2020-07-01. Review status: criteria provided, single submitter. Criteria: ACMG Guidelines, 2015. Collection method: clinical testing. Allele origin: germline. Observed: 39 variant alleles.

Illumina Laboratory Services, Illumina
Classification: Benign for Usher syndrome type 2D. Last evaluated: 2018-01-12. Review status: criteria provided, single submitter. Criteria: ICSL Variant Classification Criteria 13 December 2019. Collection method: clinical testing. Allele origin: germline.
Comment: This variant was observed in the ICSL laboratory as part of a predisposition screen in an ostensibly healthy population. It had not been previously curated by ICSL or reported in the Human Gene Mutation Database (HGMD: prior to June 1st, 2018), and was therefore a candidate for classification through an automated scoring system. Utilizing variant allele frequency, disease prevalence and penetrance estimates, and inheritance mode, an automated score was calculated to assess if this variant is too frequent to cause the disease. Based on the score and internal cut-off values, a variant classified as benign is not then subjected to further curation. The score for this variant resulted in a classification of benign for this disease.

Illumina Laboratory Services, Illumina
Classification: Benign for Autosomal recessive nonsyndromic hearing loss 31. Last evaluated: 2018-01-12. Review status: criteria provided, single submitter. Criteria: ICSL Variant Classification Criteria 13 December 2019. Collection method: clinical testing. Allele origin: germline.
Comment: the same text as in the submission from Illumina Laboratory Services, Illumina above.

GeneDx
Classification: Benign. Last evaluated: 2015-03-03. Review status: criteria provided, single submitter. Criteria: GeneDx Variant Classification Process June 2021. Collection method: clinical testing. Allele origin: germline. Affected: yes.

Laboratory for Molecular Medicine, Mass General Brigham Personalized Medicine
Classification: Benign. Last evaluated: 2009-06-19. Review status: criteria provided, single submitter. Criteria: LMM Criteria. Collection method: clinical testing. Allele origin: germline. Observed: 387 variant alleles.

Breakthrough Genomics
Classification: Benign. Review status: criteria provided, single submitter. Criteria: ACMG Guidelines, 2015. Collection method: not provided. Allele origin: germline. Inheritance: Autosomal recessive inheritance. Affected: yes.

Dr. Peter K. Rogan Lab, Western University
No classification provided (evidence only). Condition: Colorectal cancer. Review status: no classification provided. Collection method: in vitro. Allele origin: not applicable. Functional consequence: retained intron. Not counted in ClinVar's aggregate classification.

Dr. Peter K. Rogan Lab, Western University
No classification provided (evidence only). Condition: Colorectal cancer. Review status: no classification provided. Collection method: in vitro. Allele origin: not applicable. Functional consequence: retained intron. Not counted in ClinVar's aggregate classification.

Dr. Peter K. Rogan Lab, Western University
No classification provided (evidence only). Condition: Malignant lymphoma, large B-cell, diffuse. Review status: no classification provided. Collection method: in vitro. Allele origin: not applicable. Functional consequence: retained intron. Not counted in ClinVar's aggregate classification.

Dr. Peter K. Rogan Lab, Western University
No classification provided (evidence only). Condition: Adrenocortical carcinoma, hereditary. Review status: no classification provided. Collection method: in vitro. Allele origin: not applicable. Functional consequence: retained intron. Not counted in ClinVar's aggregate classification.

Dr. Peter K. Rogan Lab, Western University
No classification provided (evidence only). Condition: Adrenocortical carcinoma, hereditary. Review status: no classification provided. Collection method: in vitro. Allele origin: not applicable. Functional consequence: retained intron. Not counted in ClinVar's aggregate classification.

Dr. Peter K. Rogan Lab, Western University
No classification provided (evidence only). Condition: Adrenocortical carcinoma, hereditary. Review status: no classification provided. Collection method: in vitro. Allele origin: not applicable. Functional consequence: retained intron. Not counted in ClinVar's aggregate classification.

Dr. Peter K. Rogan Lab, Western University
No classification provided (evidence only). Condition: Uterine carcinosarcoma. Review status: no classification provided. Collection method: in vitro. Allele origin: not applicable. Functional consequence: retained intron. Not counted in ClinVar's aggregate classification.

Dr. Peter K. Rogan Lab, Western University
No classification provided (evidence only). Condition: Uterine carcinosarcoma. Review status: no classification provided. Collection method: in vitro. Allele origin: not applicable. Functional consequence: retained intron. Not counted in ClinVar's aggregate classification.

Dr. Peter K. Rogan Lab, Western University
No classification provided (evidence only). Condition: Uterine carcinosarcoma. Review status: no classification provided. Collection method: in vitro. Allele origin: not applicable. Functional consequence: retained intron. Not counted in ClinVar's aggregate classification.

Dr. Peter K. Rogan Lab, Western University
No classification provided (evidence only). Condition: Uveal melanoma. Review status: no classification provided. Collection method: in vitro. Allele origin: not applicable. Functional consequence: retained intron. Not counted in ClinVar's aggregate classification.

Dr. Peter K. Rogan Lab, Western University
No classification provided (evidence only). Condition: Uveal melanoma. Review status: no classification provided. Collection method: in vitro. Allele origin: not applicable. Functional consequence: retained intron. Not counted in ClinVar's aggregate classification.

Dr. Peter K. Rogan Lab, Western University
No classification provided (evidence only). Condition: Uveal melanoma. Review status: no classification provided. Collection method: in vitro. Allele origin: not applicable. Functional consequence: retained intron. Not counted in ClinVar's aggregate classification.